The following is an entry in ClinVar:

NM_002547.3(OPHN1):c.2110_2111del (p.Phe704fs)

Gene: OPHN1 (oligophrenin 1; minus strand). Cytogenetic location: Xq12.
Variant type: Deletion.
Coding change: c.2110_2111del on transcript NM_002547.3 (MANE Select); coding-DNA positions 2110 to 2111, 2 bases deleted (TT; older notation c.2110_2111delTT).
Protein change: p.Phe704fs; shifts the reading frame from phenylalanine 704.
Molecular consequence: frameshift variant.
Genome position (GRCh38, 1-based): chrX:68,063,901-68,063,902, AA deleted on the plus strand (TT on the coding strand, the reverse complement: OPHN1 is on the minus strand); deleting any 2 consecutive bases within chrX:68,063,901-68,063,903 gives the same sequence; the c. name uses the placement nearest the transcript's 3' end. VCF-style (leftmost placement, unchanged base first): chrX-68063900-GAA-G. GRCh37 (hg19) VCF-style: chrX-67283742-GAA-G.
Other names: short protein forms F704fs.
Identifiers: ClinVar variation 3204354 (VCV003204354.1), dbSNP rs2519631746, ClinGen allele CA2825002955.

ClinVar aggregate classification (germline): Pathogenic (1 of 4 stars; one submission).

Conditions:
Inborn genetic diseases. Identifiers: MedGen C0950123, MeSH D030342.

Submission:

Ambry Genetics
Classification: Pathogenic for Inborn genetic diseases. Last evaluated: 2024-01-08. Review status: criteria provided, single submitter. Criteria: Ambry Variant Classification Scheme 2023. Collection method: clinical testing. Allele origin: germline.
Comment: The c.2110_2111delTT (p.F704Pfs*19) alteration, located in exon 21 (coding exon 20) of the OPHN1 gene, consists of a deletion of 2 nucleotides from position 2110 to 2111, causing a translational frameshift with a predicted alternate stop codon after 19 amino acids. This alteration is expected to result in loss of function by premature protein truncation or nonsense-mediated mRNA decay. This variant was not reported in population-based cohorts in the Genome Aggregation Database (gnomAD). Based on the available evidence, this alteration is classified as pathogenic.